The following is an entry in ClinVar:

ClinVar aggregate classification (germline): Likely benign (0 of 4 stars; one submission).

Conditions:
VPS13B-related disorder. Also called: VPS13B-related condition.

Submission:

PreventionGenetics, part of Exact Sciences
Classification: Likely benign for VPS13B-related condition. Last evaluated: 2021-08-10. Review status: no assertion criteria provided. Collection method: clinical testing. Allele origin: germline.
Comment: This variant is classified as likely benign based on ACMG/AMP sequence variant interpretation guidelines (Richards et al. 2015 PMID: 25741868, with internal and published modifications).

NM_152564.5(VPS13B):c.2515+16531G>C

Gene: VPS13B (vacuolar protein sorting 13 homolog B; plus strand). Cytogenetic location: 8q22.2.
Variant type: single nucleotide variant.
Coding change: c.2515+16531G>C on transcript NM_152564.5 (MANE Select); 16531 bases into the intron after coding-DNA position 2515, G replaced by C.
Molecular consequence: intron variant.
Genome position (GRCh38, 1-based): chr8:99,209,588, G>C. VCF-style: chr8-99209588-G-C. GRCh37 (hg19) VCF-style: chr8-100221816-G-C.
Other names: c.2515+16531G>C (NM_017890.5); c.2516-4G>C (NM_015243.3).
Identifiers: ClinVar variation 3352558 (VCV003352558.1).